The following is an entry in ClinVar:

ClinVar aggregate classification (germline): Uncertain significance. Review status: criteria provided, multiple submitters, no conflicts (2 of 4 stars). 2 submissions from 2 submitters: Uncertain significance (2). Last evaluated 2026-08-14.

Conditions:
Hereditary cancer-predisposing syndrome. Also called: Neoplastic Syndromes, Hereditary; Hereditary Cancer Syndrome; Hereditary neoplastic syndrome; Tumor predisposition. Identifiers: Orphanet 140162, MedGen C0027672, MeSH D009386, MONDO:0015356.

gnomAD v4.1: 15 of 1,613,866 alleles (0.00093%); highest among the groups gnomAD compares: Non-Finnish European, 0.0013%; no homozygotes.

Submissions (2):

Ambry Genetics
Classification: Uncertain significance for Hereditary cancer-predisposing syndrome. Last evaluated: 2026-08-14. Review status: criteria provided, single submitter. Criteria: Ambry Variant Classification Scheme 2023. Collection method: clinical testing. Allele origin: germline.
Comment: The p.I229M variant (also known as c.687C>G), located in coding exon 5 of the FH gene, results from a C to G substitution at nucleotide position 687. The isoleucine at codon 229 is replaced by methionine, an amino acid with highly similar properties. This amino acid position is highly conserved in available vertebrate species. In addition, this alteration is predicted to be deleterious by in silico analysis. Based on the available evidence, the clinical significance of this variant remains unclear.

Labcorp Genetics (formerly Invitae), Labcorp
Classification: Uncertain significance. Last evaluated: 2025-08-20. Review status: criteria provided, single submitter. Criteria: Invitae Variant Classification Sherloc (09022015). Collection method: clinical testing. Allele origin: germline.
Comment: This sequence change replaces isoleucine, which is neutral and non-polar, with methionine, which is neutral and non-polar, at codon 229 of the FH protein (p.Ile229Met). This variant is not present in population databases (gnomAD no frequency). This variant has not been reported in the literature in individuals affected with FH-related conditions. ClinVar contains an entry for this variant (Variation ID: 570079). Invitae Evidence Modeling of protein sequence and biophysical properties (such as structural, functional, and spatial information, amino acid conservation, physicochemical variation, residue mobility, and thermodynamic stability) indicates that this missense variant is expected to disrupt FH protein function with a positive predictive value of 95%. In summary, the available evidence is currently insufficient to determine the role of this variant in disease. Therefore, it has been classified as a Variant of Uncertain Significance.

NM_000143.4(FH):c.687C>G (p.Ile229Met)

Gene: FH (fumarate hydratase; minus strand). Cytogenetic location: 1q43.
Variant type: single nucleotide variant.
Coding change: c.687C>G on transcript NM_000143.4 (MANE Select); coding-DNA position 687, C replaced by G.
Protein change: p.Ile229Met; replaces isoleucine 229 with methionine.
Molecular consequence: missense variant.
Genome position (GRCh38, 1-based): chr1:241,508,654, G>C on the plus strand (C>G on the coding strand, the complement: FH is on the minus strand). VCF-style: chr1-241508654-G-C. GRCh37 (hg19) VCF-style: chr1-241671954-G-C.
Other names: short protein forms I229M.
Identifiers: ClinVar variation 570079 (VCV000570079.13), dbSNP rs755587163, ClinGen allele CA345439239.